The following is an entry in ClinVar:

ClinVar aggregate classification (germline): Uncertain significance. Review status: criteria provided, multiple submitters, no conflicts (2 of 4 stars). 2 submissions from 2 submitters: Uncertain significance (2). Last evaluated 2022-06-14.

Conditions:
Inborn genetic diseases. Identifiers: MedGen C0950123, MeSH D030342.

Allele frequency attached by ClinVar (database versions not stated): gnomAD 0.00001; TOPMed 0.00004; ExAC 0.00008; gnomAD exomes 0.00008.
gnomAD v4.1: 50 of 1,607,876 alleles (0.0031%); highest among the groups gnomAD compares: Admixed American, 0.085%; no homozygotes.

Submissions (2):

Labcorp Genetics (formerly Invitae), Labcorp
Classification: Uncertain significance. Last evaluated: 2022-06-14. Review status: criteria provided, single submitter. Criteria: Invitae Variant Classification Sherloc (09022015). Collection method: clinical testing. Allele origin: germline.
Comment: Algorithms developed to predict the effect of missense changes on protein structure and function (SIFT, PolyPhen-2, Align-GVGD) all suggest that this variant is likely to be disruptive. This variant has not been reported in the literature in individuals affected with CCDC115-related conditions. This variant is present in population databases (rs576449724, gnomAD 0.1%). This sequence change replaces methionine, which is neutral and non-polar, with lysine, which is basic and polar, at codon 49 of the CCDC115 protein (p.Met49Lys). In summary, the available evidence is currently insufficient to determine the role of this variant in disease. Therefore, it has been classified as a Variant of Uncertain Significance.

Ambry Genetics
Classification: Uncertain significance for Inborn genetic diseases. Last evaluated: 2022-04-12. Review status: criteria provided, single submitter. Criteria: Ambry Variant Classification Scheme 2023. Collection method: clinical testing. Allele origin: germline.

NM_032357.4(VMA22):c.146T>A (p.Met49Lys)

Gene: VMA22 (vacuolar ATPase assembly factor VMA22; minus strand). Cytogenetic location: 2q21.1.
Variant type: single nucleotide variant.
Coding change: c.146T>A on transcript NM_032357.4 (MANE Select); coding-DNA position 146, T replaced by A.
Protein change: p.Met49Lys; replaces methionine 49 with lysine.
Molecular consequence: missense variant. On other transcripts: non-coding transcript variant (2).
Genome position (GRCh38, 1-based): chr2:130,341,910, A>T on the plus strand (T>A on the coding strand, the complement: VMA22 is on the minus strand). VCF-style: chr2-130341910-A-T. GRCh37 (hg19) VCF-style: chr2-131099483-A-T.
Other names: c.131T>A, p.Met44Lys (NM_001321118.1); c.122T>A, p.Met41Lys (NM_001321119.2); short protein forms M41K, M44K, M49K.
Identifiers: ClinVar variation 2073646 (VCV002073646.4), dbSNP rs576449724, ClinGen allele CA1871354.